The following is an entry in ClinVar:

NM_138420.4(AHNAK2):c.6136A>G (p.Lys2046Glu)

Gene: AHNAK2 (AHNAK nucleoprotein 2; minus strand). Cytogenetic location: 14q32.33.
Variant type: single nucleotide variant.
Coding change: c.6136A>G on transcript NM_138420.4 (MANE Select); coding-DNA position 6136, A replaced by G.
Protein change: p.Lys2046Glu; replaces lysine 2046 with glutamic acid.
Molecular consequence: missense variant.
Genome position (GRCh38, 1-based): chr14:104,949,315, T>C on the plus strand (A>G on the coding strand, the complement: AHNAK2 is on the minus strand). VCF-style: chr14-104949315-T-C. GRCh37 (hg19) VCF-style: chr14-105415652-T-C.
Other names: c.5836A>G, p.Lys1946Glu (NM_001350929.2); short protein forms K1946E, K2046E.
Identifiers: ClinVar variation 2644753 (VCV002644753.24), dbSNP rs773444922, ClinGen allele CA7381314.

ClinVar aggregate classification (germline): Benign (1 of 4 stars; one submission).

Allele frequency attached by ClinVar (database versions not stated): gnomAD exomes 0.00006; gnomAD 0.00009.
gnomAD v4.1: 77 of 1,136,542 alleles (0.0068%); highest among the groups gnomAD compares: East Asian, 0.036%; 16 homozygotes.

Submission:

CeGaT Center for Human Genetics Tuebingen
Classification: Benign. Last evaluated: 2023-07-01. Review status: criteria provided, single submitter. Criteria: CeGaT Center For Human Genetics Tuebingen Variant Classification Criteria Version 2. Collection method: clinical testing. Allele origin: germline. Affected: yes. Observed: 2 variant alleles.
Comment: AHNAK2: BP4, BS1, BS2